The following is an entry in ClinVar:

ClinVar aggregate classification (germline): Uncertain significance. Review status: criteria provided, multiple submitters, no conflicts (2 of 4 stars). 3 submissions from 3 submitters: Uncertain significance (3). Last evaluated 2023-12-28.

Conditions:
Telangiectasia, hereditary hemorrhagic, type 2 (HHT2). Also called: Telangiectasia, hereditary hemorrhagic, type II; ACVRL1-Related Hereditary Hemorrhagic Telangiectasia. Identifiers: Orphanet 774, MedGen C1838163, MONDO:0010880, OMIM 600376. Disease mechanism: loss of function.

Allele frequency attached by ClinVar (database versions not stated): gnomAD exomes below 0.00001 and 0.00001; TOPMed below 0.00001; gnomAD 0.00001.
gnomAD v4.1: 12 of 1,613,722 alleles (0.00074%); highest among the groups gnomAD compares: Non-Finnish European, 0.001%; no homozygotes.

Submissions (3):

Fulgent Genetics
Classification: Uncertain significance for Telangiectasia, hereditary hemorrhagic, type 2. Last evaluated: 2023-12-28. Review status: criteria provided, single submitter. Criteria: ACMG Guidelines, 2015. Collection method: clinical testing. Allele origin: germline.

Labcorp Genetics (formerly Invitae), Labcorp
Classification: Uncertain significance for Telangiectasia, hereditary hemorrhagic, type 2. Last evaluated: 2022-07-15. Review status: criteria provided, single submitter. Criteria: Invitae Variant Classification Sherloc (09022015). Collection method: clinical testing. Allele origin: germline.
Comment: This missense change has been observed in individual(s) with clinical features of ACVRL1-related conditions (PMID: 31727138; Invitae). The frequency data for this variant in the population databases is considered unreliable, as metrics indicate poor data quality at this position in the gnomAD database. This sequence change replaces arginine, which is basic and polar, with glutamine, which is neutral and polar, at codon 200 of the ACVRL1 protein (p.Arg200Gln). ClinVar contains an entry for this variant (Variation ID: 445940). In summary, the available evidence is currently insufficient to determine the role of this variant in disease. Therefore, it has been classified as a Variant of Uncertain Significance. This variant disrupts the p.Arg200 amino acid residue in ACVRL1. Other variant(s) that disrupt this residue have been observed in individuals with ACVRL1-related conditions (PMID: 24196379, 31618753), which suggests that this may be a clinically significant amino acid residue. Algorithms developed to predict the effect of missense changes on protein structure and function (SIFT, PolyPhen-2, Align-GVGD) all suggest that this variant is likely to be disruptive.

Center for Pediatric Genomic Medicine, Children's Mercy Hospital and Clinics
Classification: Uncertain significance. Last evaluated: 2017-03-20. Review status: criteria provided, single submitter. Criteria: ACMG Guidelines, 2015. Collection method: clinical testing. Allele origin: germline.

Literature cited by the submitters: PubMed 31727138 (cited by Labcorp Genetics (formerly Invitae), Labcorp); PubMed 24196379 (cited by Labcorp Genetics (formerly Invitae), Labcorp); PubMed 31618753 (cited by Labcorp Genetics (formerly Invitae), Labcorp).

NM_000020.3(ACVRL1):c.599G>A (p.Arg200Gln)

Gene: ACVRL1 (activin A receptor like type 1; plus strand). Cytogenetic location: 12q13.13.
Variant type: single nucleotide variant.
Coding change: c.599G>A on transcript NM_000020.3 (MANE Select); coding-DNA position 599, G replaced by A.
Protein change: p.Arg200Gln; replaces arginine 200 with glutamine.
Molecular consequence: missense variant.
Genome position (GRCh38, 1-based): chr12:51,914,047, G>A. VCF-style: chr12-51914047-G-A. GRCh37 (hg19) VCF-style: chr12-52307831-G-A.
Other names: c.599G>A, p.Arg200Gln (NM_001077401.2); short protein forms R200Q.
Identifiers: ClinVar variation 445940 (VCV000445940.5), dbSNP rs1018788708, ClinGen allele CA236362877.